The following is an entry in ClinVar:

NM_000214.3(JAG1):c.3545A>T (p.Glu1182Val)

Gene: JAG1 (jagged canonical Notch ligand 1; minus strand). Cytogenetic location: 20p12.2.
Variant type: single nucleotide variant.
Coding change: c.3545A>T on transcript NM_000214.3 (MANE Select); coding-DNA position 3545, A replaced by T.
Protein change: p.Glu1182Val; replaces glutamic acid 1182 with valine.
Molecular consequence: missense variant.
Genome position (GRCh38, 1-based): chr20:10,639,610, T>A on the plus strand (A>T on the coding strand, the complement: JAG1 is on the minus strand). VCF-style: chr20-10639610-T-A. GRCh37 (hg19) VCF-style: chr20-10620258-T-A.
Other names: short protein forms E1182V.
Identifiers: ClinVar variation 2566901 (VCV002566901.2), dbSNP rs2514506230, ClinGen allele CA408242570.

ClinVar aggregate classification (germline): Uncertain significance (1 of 4 stars; one submission).

Conditions:
Cardiovascular phenotype. Identifiers: MedGen CN230736.

Allele frequency attached by ClinVar (database versions not stated): gnomAD exomes below 0.00001.
gnomAD v4.1: 1 of 1,614,238 alleles (0.000062%); highest among the groups gnomAD compares: Non-Finnish European, 0.000085%; no homozygotes.

Submission:

Ambry Genetics
Classification: Uncertain significance for Cardiovascular phenotype. Last evaluated: 2023-03-16. Review status: criteria provided, single submitter. Criteria: Ambry Variant Classification Scheme 2023. Collection method: clinical testing. Allele origin: germline.
Comment: The p.E1182V variant (also known as c.3545A>T), located in coding exon 26 of the JAG1 gene, results from an A to T substitution at nucleotide position 3545. The glutamic acid at codon 1182 is replaced by valine, an amino acid with dissimilar properties. This amino acid position is conserved. In addition, the in silico prediction for this alteration is inconclusive. Since supporting evidence is limited at this time, the clinical significance of this alteration remains unclear.